The following is an entry in ClinVar:

NM_006348.5(COG5):c.364G>A (p.Val122Ile)

Gene: COG5 (component of oligomeric golgi complex 5; minus strand). Cytogenetic location: 7q22.3.
Variant type: single nucleotide variant.
Coding change: c.364G>A on transcript NM_006348.5 (MANE Select); coding-DNA position 364, G replaced by A.
Protein change: p.Val122Ile; replaces valine 122 with isoleucine.
Molecular consequence: missense variant. On other transcripts: intron variant (1).
Genome position (GRCh38, 1-based): chr7:107,548,164, C>T on the plus strand (G>A on the coding strand, the complement: COG5 is on the minus strand). VCF-style: chr7-107548164-C-T. GRCh37 (hg19) VCF-style: chr7-107188609-C-T.
Other names: c.364G>A, p.Val122Ile (NM_001161520.2, NM_001379511.1, NM_001379512.1 and 4 more transcripts); c.234+9812G>A (NM_001379516.1); c.457G>A (NM_006348.3); short protein forms V122I.
Identifiers: ClinVar variation 1516796 (VCV001516796.4), dbSNP rs759063795, ClinGen allele CA4431417.
Genomic context (GRCh38, chr7:107,548,164, plus strand): 5'-AAACTACCTGAAGTCTTGCTAGTTGTGCAGTCCGGGCAACTATCTTATTGTATGGTTCAA[C>T]AATTTTTGCTTTTATCCTACAGGAAAAGAGAGGAGTGAGAATAAAATCATTTTCAGAATA-3'
Protein context (NP_006339.4, residues 112-132): GAVDRIKAKI[Val122Ile]EPYNKIVART

ClinVar aggregate classification (germline): Uncertain significance. Review status: criteria provided, multiple submitters, no conflicts (2 of 4 stars). 2 submissions from 2 submitters: Uncertain significance (2). Last evaluated 2025-01-08.

Conditions:
Inborn genetic diseases. Identifiers: MedGen C0950123, MeSH D030342.
COG5-congenital disorder of glycosylation. Also called: CDG IIi; CONGENITAL DISORDER OF GLYCOSYLATION, TYPE IIi; COG5-CDG. Identifiers: Orphanet 263487, MedGen C3150876, MONDO:0013325, OMIM 613612.

Allele frequency attached by ClinVar (database versions not stated): gnomAD 0.00001; TOPMed 0.00002; ExAC 0.00003.
gnomAD v4.1: 11 of 1,613,794 alleles (0.00068%); highest among the groups gnomAD compares: Admixed American, 0.012%; no homozygotes.

Submissions (2):

Ambry Genetics
Classification: Uncertain significance for Inborn genetic diseases. Last evaluated: 2025-01-08. Review status: criteria provided, single submitter. Criteria: Ambry Variant Classification Scheme 2023. Collection method: clinical testing. Allele origin: germline.

Labcorp Genetics (formerly Invitae), Labcorp
Classification: Uncertain significance for COG5-congenital disorder of glycosylation. Last evaluated: 2022-07-09. Review status: criteria provided, single submitter. Criteria: Invitae Variant Classification Sherloc (09022015). Collection method: clinical testing. Allele origin: germline.
Comment: This sequence change replaces valine, which is neutral and non-polar, with isoleucine, which is neutral and non-polar, at codon 153 of the COG5 protein (p.Val153Ile). This variant is present in population databases (rs759063795, gnomAD 0.02%). This variant has not been reported in the literature in individuals affected with COG5-related conditions. ClinVar contains an entry for this variant (Variation ID: 1516796). Algorithms developed to predict the effect of missense changes on protein structure and function output the following: SIFT: "Tolerated"; PolyPhen-2: "Benign"; Align-GVGD: "Class C0". The isoleucine amino acid residue is found in multiple mammalian species, which suggests that this missense change does not adversely affect protein function. In summary, the available evidence is currently insufficient to determine the role of this variant in disease. Therefore, it has been classified as a Variant of Uncertain Significance.